The following is an entry in ClinVar:

ClinVar aggregate classification (germline): Uncertain significance (1 of 4 stars; one submission).

Conditions:
Hyper-IgM syndrome type 1. Also called: Hyper-IgM Immunodeficiency Syndrome, Type 1; CD40 Ligand Deficiency; X-linked hyper-IgM syndrome; Immunodeficiency, X-linked, with hyper-IgM. Identifiers: Orphanet 101088, MedGen C0398689, MONDO:0010626, OMIM 308230.

Submission:

Labcorp Genetics (formerly Invitae), Labcorp
Classification: Uncertain significance for Hyper-IgM syndrome type 1. Last evaluated: 2021-04-16. Review status: criteria provided, single submitter. Criteria: Invitae Variant Classification Sherloc (09022015). Collection method: clinical testing. Allele origin: germline.
Comment: This variant is not present in population databases (ExAC no frequency). In summary, the available evidence is currently insufficient to determine the role of this variant in disease. Therefore, it has been classified as a Variant of Uncertain Significance. This variant disrupts the p.Met36 amino acid residue in CD40LG. Other variant(s) that disrupt this residue have been determined to be pathogenic (PMID: 7679206, 15358621). This suggests that this residue is clinically significant, and that variants that disrupt this residue are likely to be disease-causing. Advanced modeling of protein sequence and biophysical properties (such as structural, functional, and spatial information, amino acid conservation, physicochemical variation, residue mobility, and thermodynamic stability) performed at Invitae indicates that this missense variant is not expected to disrupt CD40LG protein function. This variant has been observed in individual(s) with hyper IgM syndrome (PMID: 28916186). This sequence change replaces methionine with threonine at codon 36 of the CD40LG protein (p.Met36Thr). The methionine residue is moderately conserved and there is a moderate physicochemical difference between methionine and threonine.

Literature cited by the submitters: PubMed 7679206; PubMed 15358621; PubMed 28916186.

NM_000074.3(CD40LG):c.107T>C (p.Met36Thr)

Gene: CD40LG (CD40 ligand; plus strand). Cytogenetic location: Xq26.3.
Variant type: single nucleotide variant.
Coding change: c.107T>C on transcript NM_000074.3 (MANE Select); coding-DNA position 107, T replaced by C.
Protein change: p.Met36Thr; replaces methionine 36 with threonine.
Molecular consequence: missense variant.
Genome position (GRCh38, 1-based): chrX:136,648,355, T>C. VCF-style: chrX-136648355-T-C. GRCh37 (hg19) VCF-style: chrX-135730514-T-C.
Other names: short protein forms M36T.
Identifiers: ClinVar variation 1503923 (VCV001503923.9), dbSNP rs104894774, ClinGen allele CA414751908.
Genomic context (GRCh38, chrX:136,648,355, plus strand): 5'-GACTGCCCATCAGCATGAAAATTTTTATGTATTTACTTACTGTTTTTCTTATCACCCAGA[T>C]GATTGGGTCAGCACTTTTTGCTGTGTATCTTCATAGAAGGTTGGACAAGGTAAGATGAAC-3'
Protein context (NP_000065.1, residues 26-46): YLLTVFLITQ[Met36Thr]IGSALFAVYL